The following is an entry in ClinVar:

ClinVar aggregate classification (germline): Uncertain significance (0 of 4 stars; one submission).

Conditions:
CALM2-related disorder. Also called: CALM2-related condition.

Submission:

PreventionGenetics, part of Exact Sciences
Classification: Uncertain significance for CALM2-related condition. Last evaluated: 2024-02-01. Review status: no assertion criteria provided. Collection method: clinical testing. Allele origin: germline.
Comment: The CALM2 c.272G>T variant is predicted to result in the amino acid substitution p.Arg91Leu. To our knowledge, this variant has not been reported in the literature or in a large population database, indicating this variant is rare. At this time, the clinical significance of this variant is uncertain due to the absence of conclusive functional and genetic evidence.

NM_001743.6(CALM2):c.272G>T (p.Arg91Leu)

Gene: CALM2 (calmodulin 2; minus strand). Cytogenetic location: 2p21.
Variant type: single nucleotide variant.
Coding change: c.272G>T on transcript NM_001743.6 (MANE Select); coding-DNA position 272, G replaced by T.
Protein change: p.Arg91Leu; replaces arginine 91 with leucine.
Molecular consequence: missense variant.
Genome position (GRCh38, 1-based): chr2:47,162,299, C>A on the plus strand (G>T on the coding strand, the complement: CALM2 is on the minus strand). VCF-style: chr2-47162299-C-A. GRCh37 (hg19) VCF-style: chr2-47389438-C-A.
Other names: c.416G>T, p.Arg139Leu (NM_001305624.1); c.164G>T, p.Arg55Leu (NM_001305625.2, NM_001305626.1); short protein forms R139L, R55L, R91L.
Identifiers: ClinVar variation 3061097 (VCV003061097.2), dbSNP rs2103825224, ClinGen allele CA346719349.